The following is an entry in ClinVar:

ClinVar aggregate classification (germline): Likely benign (1 of 4 stars; one submission).

gnomAD v4.1: 5 of 1,596,164 alleles (0.00031%); highest among the groups gnomAD compares: South Asian, 0.0033%; no homozygotes.

Submission:

CeGaT Center for Human Genetics Tuebingen
Classification: Likely benign. Last evaluated: 2025-06-01. Review status: criteria provided, single submitter. Criteria: CeGaT Center For Human Genetics Tuebingen Variant Classification Criteria Version 2. Collection method: clinical testing. Allele origin: germline. Affected: yes. Observed: 1 variant allele.
Comment: GRIN2D: BP4, BP7

NM_000836.4(GRIN2D):c.969C>A (p.Gly323=)

Gene: GRIN2D (glutamate ionotropic receptor NMDA type subunit 2D; plus strand). Cytogenetic location: 19q13.33.
Variant type: single nucleotide variant.
Coding change: c.969C>A on transcript NM_000836.4 (MANE Select); coding-DNA position 969, C replaced by A.
Protein change: p.Gly323=; no amino-acid change (glycine 323 retained).
Molecular consequence: synonymous variant.
Genome position (GRCh38, 1-based): chr19:48,405,237, C>A. VCF-style: chr19-48405237-C-A. GRCh37 (hg19) VCF-style: chr19-48908494-C-A.
Identifiers: ClinVar variation 3906030 (VCV003906030.10).
Genomic context (GRCh38, chr19:48,405,237, plus strand): 5'-GCTGTTTGCAGTGCGCTCGGCTGGCTGGCGGGATGACCTGGCTCGGCGAGTGGCAGCTGG[C>A]GTGGCCGTAGTGGCCAGAGGTGCCCAGGCCCTGCTGCGTGATTATGGTTTCCTTCCTGAG-3'
Protein context (NP_000827.2, residues 313-333): RDDLARRVAA[Gly323=]VAVVARGAQA